The following is an entry in ClinVar:

NM_000217.3(KCNA1):c.733A>G (p.Ser245Gly)

Gene: KCNA1 (potassium voltage-gated channel subfamily A member 1; plus strand). Cytogenetic location: 12p13.32.
Variant type: single nucleotide variant.
Coding change: c.733A>G on transcript NM_000217.3 (MANE Select); coding-DNA position 733, A replaced by G.
Protein change: p.Ser245Gly; replaces serine 245 with glycine.
Molecular consequence: missense variant.
Genome position (GRCh38, 1-based): chr12:4,912,111, A>G. VCF-style: chr12-4912111-A-G. GRCh37 (hg19) VCF-style: chr12-5021277-A-G.
Other names: short protein forms S245G.
Identifiers: ClinVar variation 3383736 (VCV003383736.1).

ClinVar aggregate classification (germline): Uncertain significance (1 of 4 stars; one submission).

Submission:

GeneDx
Classification: Uncertain significance. Last evaluated: 2024-05-28. Review status: criteria provided, single submitter. Criteria: GeneDx Variant Classification Process June 2021. Collection method: clinical testing. Allele origin: germline. Affected: yes.
Comment: Not observed at significant frequency in large population cohorts (gnomAD); In silico analysis supports that this missense variant has a deleterious effect on protein structure/function; Has not been previously published as pathogenic or benign to our knowledge